The following is an entry in ClinVar:

NM_176787.5(PIGN):c.1767G>A (p.Lys589=)

Gene: PIGN (phosphatidylinositol glycan anchor biosynthesis class N; minus strand). Cytogenetic location: 18q21.33.
Variant type: single nucleotide variant.
Coding change: c.1767G>A on transcript NM_176787.5 (MANE Select); coding-DNA position 1767, G replaced by A.
Protein change: p.Lys589=; no amino-acid change (lysine 589 retained).
Molecular consequence: synonymous variant.
Genome position (GRCh38, 1-based): chr18:62,106,789, C>T on the plus strand (G>A on the coding strand, the complement: PIGN is on the minus strand). VCF-style: chr18-62106789-C-T. GRCh37 (hg19) VCF-style: chr18-59774022-C-T.
Other names: c.1767G>A, p.Lys589= (NM_012327.6).
Identifiers: ClinVar variation 970343 (VCV000970343.12), dbSNP rs2034656569, ClinGen allele CA504067534.

ClinVar aggregate classification (germline): Conflicting classifications of pathogenicity. Review status: criteria provided, conflicting classifications (1 of 4 stars). 4 submissions from 4 submitters: Pathogenic (1); Uncertain significance (3). Last evaluated 2026-03-17.

Conditions:
PIGN-related disorder. Also called: PIGN-related condition.
Multiple congenital anomalies-hypotonia-seizures syndrome 1 (MCAHS1). Also called: GLYCOSYLPHOSPHATIDYLINOSITOL BIOSYNTHESIS DEFECT 3; PIGN-CDG; Congenital disorder of glycosylation due to PIGN deficiency. Identifiers: Orphanet 280633, MedGen C3279775, MONDO:0013563, OMIM 614080.

Submissions (4):

GeneDx
Classification: Pathogenic. Last evaluated: 2026-03-17. Review status: criteria provided, single submitter. Criteria: GeneDx Variant Classification Process June 2021. Collection method: clinical testing. Allele origin: germline.
Comment: Has not been previously published as pathogenic or benign to our knowledge; Internal targeted RNA studies in blood from a patient and their parents referred for testing at GeneDx demonstrate this variant alters RNA splicing by skipping of exon 19 which is predicted to lead to deletion of 31 amino acid residues; Not observed at significant frequency in large population cohorts (gnomAD)

PreventionGenetics, part of Exact Sciences
Classification: Uncertain significance for PIGN-related condition. Last evaluated: 2026-01-04. Review status: criteria provided, single submitter. Criteria: ACMG Guidelines, 2015. Collection method: clinical testing. Allele origin: germline.
Comment: The PIGN c.1767G>A variant is not predicted to result in an amino acid change (p.=). This variant occurs at the last nucleotide position of exon 19 and is predicted to impact splicing based on a splicing prediction program (SpliceAI, Jaganathan K, et al. 2019. PubMed ID: 30661751). To our knowledge, this variant has not been reported in the literature or in a large population database (gnomAD), indicating this variant is rare. At this time, the clinical significance of this variant is uncertain due to the absence of conclusive functional and genetic evidence.

Labcorp Genetics (formerly Invitae), Labcorp
Classification: Uncertain significance for Multiple congenital anomalies-hypotonia-seizures syndrome 1. Last evaluated: 2024-12-04. Review status: criteria provided, single submitter. Criteria: Invitae Variant Classification Sherloc (09022015). Collection method: clinical testing. Allele origin: germline.
Comment: This sequence change affects codon 589 of the PIGN mRNA. It is a 'silent' change, meaning that it does not change the encoded amino acid sequence of the PIGN protein. This variant also falls at the last nucleotide of exon 19, which is part of the consensus splice site for this exon. This variant is not present in population databases (gnomAD no frequency). This variant has not been reported in the literature in individuals affected with PIGN-related conditions. ClinVar contains an entry for this variant (Variation ID: 970343). Variants that disrupt the consensus splice site are a relatively common cause of aberrant splicing (PMID: 17576681, 9536098). Algorithms developed to predict the effect of sequence changes on RNA splicing suggest that this variant may disrupt the consensus splice site. In summary, the available evidence is currently insufficient to determine the role of this variant in disease. Therefore, it has been classified as a Variant of Uncertain Significance.

Juno Genomics, Hangzhou Juno Genomics, Inc
Classification: Uncertain significance for Multiple congenital anomalies-hypotonia-seizures syndrome 1. Review status: criteria provided, single submitter. Criteria: ACMG Guidelines, 2015. Collection method: clinical testing. Allele origin: germline.
Comment: Absent from controls (or at extremely low frequency if recessive) in Genome Aggregation Database.;Multiple lines of computational evidence support a deleterious effect on the gene or gene product.

Literature cited by the submitters: PubMed 17576681 (cited by Labcorp Genetics (formerly Invitae), Labcorp); PubMed 9536098 (cited by Labcorp Genetics (formerly Invitae), Labcorp).